The following is an entry in ClinVar:

ClinVar aggregate classification (germline): Conflicting classifications of pathogenicity. Review status: criteria provided, conflicting classifications (1 of 4 stars). 3 submissions from 3 submitters: Uncertain significance (2); Likely benign (1). Last evaluated 2025-02-21.

Conditions:
Ataxia-telangiectasia syndrome (AT). Also called: Ataxia-telangiectasia, complementation group D; AT, COMPLEMENTATION GROUP C; ATAXIA-TELANGIECTASIA, COMPLEMENTATION GROUP A; ATAXIA-TELANGIECTASIA, FRESNO VARIANT; Ataxia-telangiectasia; LOUIS-BAR SYNDROME. Identifiers: Orphanet 100, MedGen C0004135, MONDO:0008840, OMIM 208900.
Hereditary cancer-predisposing syndrome. Also called: Neoplastic Syndromes, Hereditary; Tumor predisposition; Hereditary neoplastic syndrome; Hereditary Cancer Syndrome. Identifiers: Orphanet 140162, MedGen C0027672, MeSH D009386, MONDO:0015356.

Submissions (3):

Athena Diagnostics
Classification: Uncertain significance. Last evaluated: 2025-02-21. Review status: criteria provided, single submitter. Criteria: Athena Diagnostics Criteria. Collection method: clinical testing. Allele origin: unknown.
Comment: Available data are insufficient to determine the clinical significance of the variant at this time. This variant has not been reported in large, multi-ethnic general populations. Polyphen and MutationTaster predict this amino acid change may be benign.

Labcorp Genetics (formerly Invitae), Labcorp
Classification: Uncertain significance for Ataxia-telangiectasia syndrome. Last evaluated: 2023-09-10. Review status: criteria provided, single submitter. Criteria: Invitae Variant Classification Sherloc (09022015). Collection method: clinical testing. Allele origin: germline.
Comment: In summary, the available evidence is currently insufficient to determine the role of this variant in disease. Therefore, it has been classified as a Variant of Uncertain Significance. Algorithms developed to predict the effect of missense changes on protein structure and function output the following: SIFT: "Not Available"; PolyPhen-2: "Benign"; Align-GVGD: "Not Available". The cysteine amino acid residue is found in multiple mammalian species, which suggests that this missense change does not adversely affect protein function. ClinVar contains an entry for this variant (Variation ID: 1798733). This variant has not been reported in the literature in individuals affected with ATM-related conditions. This variant is not present in population databases (gnomAD no frequency). This sequence change replaces glycine, which is neutral and non-polar, with cysteine, which is neutral and slightly polar, at codon 1002 of the ATM protein (p.Gly1002Cys).

Ambry Genetics
Classification: Likely benign for Hereditary cancer-predisposing syndrome. Last evaluated: 2021-10-20. Review status: criteria provided, single submitter. Criteria: Ambry Variant Classification Scheme 2023. Collection method: clinical testing. Allele origin: germline.

Literature cited by the submitters: PubMed 26787654 (cited by Athena Diagnostics).

NM_000051.4(ATM):c.3004G>T (p.Gly1002Cys)

Gene: ATM (ATM serine/threonine kinase; plus strand). Cytogenetic location: 11q22.3.
Variant type: single nucleotide variant.
Coding change: c.3004G>T on transcript NM_000051.4 (MANE Select); coding-DNA position 3004, G replaced by T.
Protein change: p.Gly1002Cys; replaces glycine 1002 with cysteine.
Molecular consequence: missense variant.
Genome position (GRCh38, 1-based): chr11:108,271,333, G>T. VCF-style: chr11-108271333-G-T. GRCh37 (hg19) VCF-style: chr11-108142060-G-T.
Other names: c.3004G>T, p.Gly1002Cys (NM_001351834.2); short protein forms G1002C.
Identifiers: ClinVar variation 1798733 (VCV001798733.6), dbSNP rs1565425547, ClinGen allele CA382547409.